The following is an entry in ClinVar:

NM_006015.6(ARID1A):c.4530C>T (p.Asn1510=)

Gene: ARID1A (AT-rich interaction domain 1A; plus strand). Cytogenetic location: 1p36.11.
Variant type: single nucleotide variant.
Coding change: c.4530C>T on transcript NM_006015.6 (MANE Select); coding-DNA position 4530, C replaced by T.
Protein change: p.Asn1510=; no amino-acid change (asparagine 1510 retained).
Molecular consequence: synonymous variant. On other transcripts: intron variant (1).
Genome position (GRCh38, 1-based): chr1:26,774,757, C>T. VCF-style: chr1-26774757-C-T. GRCh37 (hg19) VCF-style: chr1-27101248-C-T.
Other names: c.4102-223C>T (NM_139135.4).
Identifiers: ClinVar variation 2638539 (VCV002638539.27), dbSNP rs200313047, ClinGen allele CA707472.
Genomic context (GRCh38, chr1:26,774,757, plus strand): 5'-GGTTGCTCAGCAAGGCACCATGTGGCAGGGGCGTAATGACATGACCTATAATTATGCCAA[C>T]AGGCAGAGCACGGGCTCTGCCCCCCAGGGCCCCGCCTATCATGGCGTGAACCGAACAGAT-3'
Protein context (NP_006006.3, residues 1500-1520): GRNDMTYNYA[Asn1510=]RQSTGSAPQG

ClinVar aggregate classification (germline): Benign/Likely benign. Review status: criteria provided, multiple submitters, no conflicts (2 of 4 stars). 3 submissions from 3 submitters: Benign (1); Likely benign (2). Last evaluated 2026-01-26.

Allele frequency attached by ClinVar (database versions not stated): gnomAD exomes 0.00001; TOPMed 0.00001; ExAC 0.00002; gnomAD 0.00003; ESP Exome Variant Server 0.00008; 1000 Genomes Project 30x 0.00031; 1000 Genomes Project 0.00040.
gnomAD v4.1: 22 of 1,614,272 alleles (0.0014%); highest among the groups gnomAD compares: African/African-American, 0.016%; no homozygotes.

Submissions (3):

Labcorp Genetics (formerly Invitae), Labcorp
Classification: Benign. Last evaluated: 2026-01-26. Review status: criteria provided, single submitter. Criteria: Invitae Variant Classification Sherloc (09022015). Collection method: clinical testing. Allele origin: germline.

Blueprint Genetics
Classification: Likely benign. Last evaluated: 2023-07-27. Review status: criteria provided, single submitter. Criteria: ACMG Guidelines, 2015. Collection method: clinical testing. Allele origin: germline.

CeGaT Center for Human Genetics Tuebingen
Classification: Likely benign. Last evaluated: 2022-11-01. Review status: criteria provided, single submitter. Criteria: CeGaT Center For Human Genetics Tuebingen Variant Classification Criteria Version 2. Collection method: clinical testing. Allele origin: germline. Affected: yes. Observed: 1 variant allele.
Comment: ARID1A: BP4, BP7